The following is an entry in ClinVar:

NM_000038.6(APC):c.7757G>A (p.Ser2586Asn)

Gene: APC (APC regulator of Wnt signaling pathway; plus strand). Cytogenetic location: 5q22.2.
Variant type: single nucleotide variant.
Coding change: c.7757G>A on transcript NM_000038.6 (MANE Select); coding-DNA position 7757, G replaced by A.
Protein change: p.Ser2586Asn; replaces serine 2586 with asparagine.
Molecular consequence: missense variant.
Genome position (GRCh38, 1-based): chr5:112,843,351, G>A. VCF-style: chr5-112843351-G-A. GRCh37 (hg19) VCF-style: chr5-112179048-G-A.
Other names: c.7757G>A (NM_000038.5); c.7757G>A, p.Ser2586Asn (NM_001127510.3, NM_001354895.2); c.7703G>A, p.Ser2568Asn (NM_001127511.3); c.7811G>A, p.Ser2604Asn (NM_001354896.2); c.7787G>A, p.Ser2596Asn (NM_001354897.2); c.7682G>A, p.Ser2561Asn (NM_001354898.2); c.7673G>A, p.Ser2558Asn (NM_001354899.2); c.7634G>A, p.Ser2545Asn (NM_001354900.2); and 6 more; short protein forms S2303N, S2426N, S2460N, S2485N, S2495N, S2527N, S2545N, S2558N.
Identifiers: ClinVar variation 1297699 (VCV001297699.4), dbSNP rs199806334, ClinGen allele CA16038179.

ClinVar aggregate classification (germline): Uncertain significance. Review status: criteria provided, single submitter (1 of 4 stars). 3 submissions from 3 submitters: Uncertain significance (1). 2 of the submissions do not count toward it. Last evaluated 2026-05-21.

Conditions:
Hereditary cancer-predisposing syndrome. Also called: Neoplastic Syndromes, Hereditary; Tumor predisposition; Hereditary Cancer Syndrome; Hereditary neoplastic syndrome. Identifiers: Orphanet 140162, MedGen C0027672, MeSH D009386, MONDO:0015356.

gnomAD v4.1: 1 of 1,613,858 alleles (0.000062%); highest among the groups gnomAD compares: Non-Finnish European, 0.000085%; no homozygotes.

Submissions (3):

Ambry Genetics
Classification: Uncertain significance for Hereditary cancer-predisposing syndrome. Last evaluated: 2026-05-21. Review status: criteria provided, single submitter. Criteria: Ambry Variant Classification Scheme 2023. Collection method: clinical testing. Allele origin: germline.
Comment: The p.S2586N variant (also known as c.7757G>A), located in coding exon 15 of the APC gene, results from a G to A substitution at nucleotide position 7757. The serine at codon 2586 is replaced by asparagine, an amino acid with highly similar properties. This amino acid position is highly conserved in available vertebrate species. In addition, in silico predictors for this gene do not accurately predict pathogenicity. Missense variants in APC are not a common cause of disease (Spier I et al. Genet Med. 2024 Feb;26(2):100992). Based on the available evidence, the clinical significance of this variant remains unclear.

Clinical Genetics DNA and cytogenetics Diagnostics Lab, Erasmus MC, Erasmus Medical Center
Classification: Uncertain significance. Review status: no assertion criteria provided. Collection method: clinical testing. Allele origin: germline. Affected: yes. Study: VKGL Data-share Consensus. Not counted in ClinVar's aggregate classification.

Joint Genome Diagnostic Labs from Nijmegen and Maastricht, Radboudumc and MUMC+
Classification: Uncertain significance. Review status: no assertion criteria provided. Collection method: clinical testing. Allele origin: germline. Affected: yes. Study: VKGL Data-share Consensus. Not counted in ClinVar's aggregate classification.